The following is an entry in ClinVar:

NM_000368.5(TSC1):c.1998-7T>G

Gene: TSC1 (TSC complex subunit 1; minus strand). Cytogenetic location: 9q34.13.
Variant type: single nucleotide variant.
Coding change: c.1998-7T>G on transcript NM_000368.5 (MANE Select); 7 bases into the intron before coding-DNA position 1998, T replaced by G.
Molecular consequence: intron variant.
Genome position (GRCh38, 1-based): chr9:132,904,461, A>C on the plus strand (T>G on the coding strand, the complement: TSC1 is on the minus strand). VCF-style: chr9-132904461-A-C. GRCh37 (hg19) VCF-style: chr9-135779848-A-C.
Other names: c.1635-7T>G (NM_001362177.2); c.1845-7T>G (NM_001162427.2); c.1995-7T>G (NM_001162426.2).
Identifiers: ClinVar variation 1080203 (VCV001080203.10), dbSNP rs1845549017, ClinGen allele CA1882412365.
Genomic context (GRCh38, chr9:132,904,461, plus strand): 5'-ACAACTTTACCTCCAAAGTGGGTCCAGTCGACAGACTTGCTGGGTAAAGGCAACCTAGGA[A>C]GAAAGTTTTTGAGTAACAAAGTTACCGATCTTACCAAGAAAAAAACGTATCTGGACTTTT-3'

ClinVar aggregate classification (germline): Conflicting classifications of pathogenicity. Review status: criteria provided, conflicting classifications (1 of 4 stars). 2 submissions from 2 submitters: Uncertain significance (1); Likely benign (1). Last evaluated 2024-06-18.

Conditions:
Tuberous sclerosis syndrome (TSC). Also called: Tuberous Sclerosis Complex; Tuberous sclerosis. Identifiers: Orphanet 805, MedGen C0041341, MONDO:0001734.
Tuberous sclerosis 1 (TSC1). Identifiers: Orphanet 805, MedGen C1854465, MONDO:0008612, OMIM 191100.

Allele frequency attached by ClinVar (database versions not stated): TOPMed below 0.00001.

Submissions (2):

Labcorp Genetics (formerly Invitae), Labcorp
Classification: Likely benign for Tuberous sclerosis 1. Last evaluated: 2024-06-18. Review status: criteria provided, single submitter. Criteria: Invitae Variant Classification Sherloc (09022015). Collection method: clinical testing. Allele origin: germline.

All of Us Research Program, National Institutes of Health
Classification: Uncertain significance for Tuberous sclerosis syndrome. Last evaluated: 2023-05-04. Review status: criteria provided, single submitter. Criteria: ACMG Guidelines, 2015. Collection method: clinical testing. Allele origin: germline. Inheritance: Autosomal dominant inheritance. Observed: 1 variant allele, 1 heterozygote.
Comment: This variant causes a T to G nucleotide substitution at the -7 position of intron 15 of the TSC1 gene. Splice site prediction tools suggest that this variant may not impact RNA splicing. To our knowledge, functional studies have not been reported for this variant. This variant has not been reported in individuals affected with TSC1-related disorders in the literature. This variant has not been identified in the general population by the Genome Aggregation Database (gnomAD). The available evidence is insufficient to determine the role of this variant in disease conclusively. Therefore, this variant is classified as a Variant of Uncertain Significance.

This study involves interpretation of variants in research participants for the purpose of population health screening. Participant phenotype was not available at the time of variant classification. Additional details can be found in publication PMID: 35346344, PMCID: PMC8962531